The following is an entry in ClinVar:

NM_000165.5(GJA1):c.641T>C (p.Leu214Pro)

Gene: GJA1 (gap junction protein alpha 1; plus strand). Cytogenetic location: 6q22.31.
Variant type: single nucleotide variant.
Coding change: c.641T>C on transcript NM_000165.5 (MANE Select); coding-DNA position 641, T replaced by C.
Protein change: p.Leu214Pro; replaces leucine 214 with proline.
Molecular consequence: missense variant.
Genome position (GRCh38, 1-based): chr6:121,447,488, T>C. VCF-style: chr6-121447488-T-C. GRCh37 (hg19) VCF-style: chr6-121768634-T-C.
Other names: short protein forms L214P.
Identifiers: ClinVar variation 4881175 (VCV004881175.2).
Genomic context (GRCh38, chr6:121,447,488, plus strand): 5'-ATCAGGTGGACTGTTTCCTCTCTCGCCCCACGGAGAAAACCATCTTCATCATCTTCATGC[T>C]GGTGGTGTCCTTGGTGTCCCTGGCCTTGAATATCATTGAACTCTTCTATGTTTTCTTCAA-3'
Protein context (NP_000156.1, residues 204-224): TEKTIFIIFM[Leu214Pro]VVSLVSLALN

ClinVar aggregate classification (germline): Uncertain significance (1 of 4 stars; one submission).

Submission:

Dasa
Classification: Uncertain significance. Last evaluated: 2025-10-01. Review status: criteria provided, single submitter. Criteria: DASA Assertion Criteria. Collection method: clinical testing. Allele origin: germline.
Comment: NM_000165.5(GJA1):c.641T>C (p.Leu214Pro) is a missense variant that results in the substitution of leucine with proline. The affected residue or protein region has prior evidence supporting clinical relevance. This variant is absent from population databases. Computational prediction algorithms are consistent with a deleterious effect. The currently available literature and clinical evidence are not sufficient to establish a definitive association between this variant and the reported condition. Therefore, this variant is classified as a variant of uncertain significance.